The following is an entry in ClinVar:

NM_001023.4(RPS20):c.20G>C (p.Gly7Ala)

Gene: RPS20 (ribosomal protein S20; minus strand). Cytogenetic location: 8q12.1.
Variant type: single nucleotide variant.
Coding change: c.20G>C on transcript NM_001023.4 (MANE Select); coding-DNA position 20, G replaced by C.
Protein change: p.Gly7Ala; replaces glycine 7 with alanine.
Molecular consequence: missense variant.
Genome position (GRCh38, 1-based): chr8:56,074,143, C>G on the plus strand (G>C on the coding strand, the complement: RPS20 is on the minus strand). VCF-style: chr8-56074143-C-G. GRCh37 (hg19) VCF-style: chr8-56986702-C-G.
Other names: c.20G>C, p.Gly7Ala (NM_001146227.3); short protein forms G7A.
Identifiers: ClinVar variation 4156738 (VCV004156738.1).

ClinVar aggregate classification (germline): Uncertain significance (1 of 4 stars; one submission).

gnomAD v4.1: 2 of 1,612,890 alleles (0.00012%); highest among the groups gnomAD compares: Non-Finnish European, 0.000085%; no homozygotes.

Submission:

Ambry Genetics
Classification: Uncertain significance. Last evaluated: 2025-08-20. Review status: criteria provided, single submitter. Criteria: Ambry Variant Classification Scheme 2023. Collection method: clinical testing. Allele origin: germline.
Comment: The p.G7A variant (also known as c.20G>C), located in coding exon 2 of the RPS20 gene, results from a G to C substitution at nucleotide position 20. The glycine at codon 7 is replaced by alanine, an amino acid with similar properties. This amino acid position is highly conserved in available vertebrate species. In addition, the in silico prediction for this alteration is inconclusive. Based on the available evidence, the clinical significance of this variant remains unclear.